The following is an entry in ClinVar:

NM_002471.4(MYH6):c.3944A>C (p.Glu1315Ala)

Gene: MYH6 (myosin heavy chain 6; minus strand). Cytogenetic location: 14q11.2.
Variant type: single nucleotide variant.
Coding change: c.3944A>C on transcript NM_002471.4 (MANE Select); coding-DNA position 3944, A replaced by C.
Protein change: p.Glu1315Ala; replaces glutamic acid 1315 with alanine.
Molecular consequence: missense variant.
Genome position (GRCh38, 1-based): chr14:23,389,427, T>G on the plus strand (A>C on the coding strand, the complement: MYH6 is on the minus strand). VCF-style: chr14-23389427-T-G. GRCh37 (hg19) VCF-style: chr14-23858636-T-G.
Other names: short protein forms E1315A.
Identifiers: ClinVar variation 4057217 (VCV004057217.1).

ClinVar aggregate classification (germline): Uncertain significance (1 of 4 stars; one submission).

Conditions:
Incidental Discovery. Identifiers: MedGen C1135954.

Submission:

Clinical Genetics Laboratory, Skane University Hospital Lund
Classification: Uncertain significance for Incidental Discovery. Last evaluated: 2025-07-17. Review status: criteria provided, single submitter. Criteria: ACMG Guidelines, 2015. Collection method: clinical testing. Allele origin: germline. Affected: no.
Comment: ACMG criteria used: PM2, PP3